The following is an entry in ClinVar:

NM_033380.3(COL4A5):c.2759G>T (p.Gly920Val)

Gene: COL4A5 (collagen type IV alpha 5 chain; plus strand). Cytogenetic location: Xq22.3.
Variant type: single nucleotide variant.
Coding change: c.2759G>T on transcript NM_033380.3 (MANE Select); coding-DNA position 2759, G replaced by T.
Protein change: p.Gly920Val; replaces glycine 920 with valine.
Molecular consequence: missense variant.
Genome position (GRCh38, 1-based): chrX:108,621,884, G>T. VCF-style: chrX-108621884-G-T. GRCh37 (hg19) VCF-style: chrX-107865114-G-T.
Other names: c.2759G>T, p.Gly920Val (NM_000495.5); short protein forms G920V.
Identifiers: ClinVar variation 2767798 (VCV002767798.3), dbSNP rs2524404117, ClinGen allele CA413852296.

ClinVar aggregate classification (germline): Likely pathogenic (1 of 4 stars; one submission).

Submission:

Labcorp Genetics (formerly Invitae), Labcorp
Classification: Likely pathogenic. Last evaluated: 2023-10-12. Review status: criteria provided, single submitter. Criteria: Invitae Variant Classification Sherloc (09022015). Collection method: clinical testing. Allele origin: germline.
Comment: This sequence change replaces glycine, which is neutral and non-polar, with valine, which is neutral and non-polar, at codon 920 of the COL4A5 protein (p.Gly920Val). This variant is not present in population databases (gnomAD no frequency). This variant has not been reported in the literature in individuals affected with COL4A5-related conditions. Advanced modeling of protein sequence and biophysical properties (such as structural, functional, and spatial information, amino acid conservation, physicochemical variation, residue mobility, and thermodynamic stability) performed at Invitae indicates that this missense variant is expected to disrupt COL4A5 protein function. This variant disrupts the triple helix domain of COL4A5. Glycine residues within the Gly-Xaa-Yaa repeats of the triple helix domain are required for the structure and stability of fibrillar collagens (PMID: 7695699, 8218237, 19344236). In COL4A5, missense variants at these glycine residues are significantly enriched in individuals with disease (PMID: 23720012, 27627812) compared to the general population (ExAC). In summary, the currently available evidence indicates that the variant is pathogenic, but additional data are needed to prove that conclusively. Therefore, this variant has been classified as Likely Pathogenic.

Literature cited by the submitters: PubMed 7695699; PubMed 8218237; PubMed 19344236; PubMed 23720012; PubMed 27627812.